The following is an entry in ClinVar:

ClinVar aggregate classification (germline): Likely pathogenic (1 of 4 stars; one submission).

Submission:

GeneDx
Classification: Likely pathogenic. Last evaluated: 2024-08-10. Review status: criteria provided, single submitter. Criteria: GeneDx Variant Classification Process June 2021. Collection method: clinical testing. Allele origin: germline. Affected: yes.
Comment: Frameshift variant predicted to result in protein truncation, as the last 407 amino acids are replaced with 28 different amino acids, and other loss-of-function variants have been reported downstream in the Human Gene Mutation Database (HGMD); Not observed at significant frequency in large population cohorts (gnomAD); Has not been previously published as pathogenic or benign to our knowledge

NM_138576.4(BCL11B):c.1460_1461insT (p.Ser488fs)

Gene: BCL11B (BCL11 transcription factor B; minus strand). Cytogenetic location: 14q32.2.
Variant type: Insertion.
Coding change: c.1460_1461insT on transcript NM_138576.4 (MANE Select); coding-DNA positions 1460 to 1461, T inserted.
Protein change: p.Ser488fs; shifts the reading frame from serine 488.
Molecular consequence: frameshift variant.
Genome position: GRCh38 VCF-style: chr14-99175375-G-GA. GRCh37 (hg19) VCF-style: chr14-99641712-G-GA.
Other names: c.1457_1458insT, p.Ser487fs (NM_001282237.2); c.1244_1245insT, p.Ser416fs (NM_001282238.2); c.1247_1248insT, p.Ser417fs (NM_022898.3); short protein forms S417fs, S487fs, S416fs, S488fs.
Identifiers: ClinVar variation 3730873 (VCV003730873.1).
Genomic context (GRCh38, chr14:99,175,375, plus strand): 5'-GCCCGCCAGCTCGCTGGTGCCGGGCTCGGGGGAGCTGGCGGCCGAGAGCCCGTCGTCGGA[G>GA]CGGCCGGCCAGCGAGCCGGCCTTGTGCATGTGCGTCTTCATGTGGCGCTTGAGCTTGCTG-3'